The following is an entry in ClinVar:

NM_001348768.2(HECW2):c.4260G>A (p.Gln1420=)

Gene: HECW2 (HECT, C2 and WW domain containing E3 ubiquitin protein ligase 2; minus strand). Cytogenetic location: 2q32.3.
Variant type: single nucleotide variant.
Coding change: c.4260G>A on transcript NM_001348768.2 (MANE Select); coding-DNA position 4260, G replaced by A.
Protein change: p.Gln1420=; no amino-acid change (glutamine 1420 retained).
Molecular consequence: synonymous variant.
Genome position (GRCh38, 1-based): chr2:196,220,828, C>T on the plus strand (G>A on the coding strand, the complement: HECW2 is on the minus strand). VCF-style: chr2-196220828-C-T. GRCh37 (hg19) VCF-style: chr2-197085552-C-T.
Other names: c.3192G>A, p.Gln1064= (NM_001304840.3); c.4260G>A, p.Gln1420= (NM_020760.4).
Identifiers: ClinVar variation 1335432 (VCV001335432.37), dbSNP rs61748259, ClinGen allele CA2037556.

ClinVar aggregate classification (germline): Benign/Likely benign. Review status: criteria provided, multiple submitters, no conflicts (2 of 4 stars). 3 submissions from 3 submitters: Benign (1); Likely benign (2). Last evaluated 2026-03-01.

Allele frequency attached by ClinVar (database versions not stated): ExAC 0.00037; gnomAD exomes 0.00042 and 0.00061; TOPMed 0.00042; gnomAD 0.00043 and 0.00044; ESP Exome Variant Server 0.00054.
gnomAD v4.1: 961 of 1,614,054 alleles (0.06%); highest among the groups gnomAD compares: Non-Finnish European, 0.075%; no homozygotes.

Submissions (3):

CeGaT Center for Human Genetics Tuebingen
Classification: Likely benign. Last evaluated: 2026-03-01. Review status: criteria provided, single submitter. Criteria: CeGaT Center For Human Genetics Tuebingen Variant Classification Criteria Version 2. Collection method: clinical testing. Allele origin: germline. Affected: yes. Observed: 4 variant alleles.
Comment: HECW2: BP4, BP7

Laboratory of Genetics, Children's Clinical University Hospital Latvia
Classification: Benign. Last evaluated: 2025-02-16. Review status: criteria provided, single submitter. Criteria: ACMG Guidelines, 2015. Collection method: clinical testing. Allele origin: germline. Affected: yes.

Blueprint Genetics
Classification: Likely benign. Last evaluated: 2024-11-25. Review status: criteria provided, single submitter. Criteria: ACMG Guidelines, 2015. Collection method: clinical testing. Allele origin: germline.